The following is an entry in ClinVar:

NM_003849.4(SUCLG1):c.291C>T (p.Gly97=)

Gene: SUCLG1 (succinate-CoA ligase GDP/ADP-forming subunit alpha; minus strand). Cytogenetic location: 2p11.2.
Variant type: single nucleotide variant.
Coding change: c.291C>T on transcript NM_003849.4 (MANE Select); coding-DNA position 291, C replaced by T.
Protein change: p.Gly97=; no amino-acid change (glycine 97 retained).
Molecular consequence: synonymous variant.
Genome position (GRCh38, 1-based): chr2:84,443,311, G>A on the plus strand (C>T on the coding strand, the complement: SUCLG1 is on the minus strand). VCF-style: chr2-84443311-G-A. GRCh37 (hg19) VCF-style: chr2-84670435-G-A.
Identifiers: ClinVar variation 378693 (VCV000378693.9), dbSNP rs35996428, ClinGen allele CA1736360.

ClinVar aggregate classification (germline): Benign/Likely benign. Review status: criteria provided, multiple submitters, no conflicts (2 of 4 stars). 3 submissions from 3 submitters: Benign (1); Likely benign (2). Last evaluated 2026-01-19.

Conditions:
Mitochondrial DNA depletion syndrome 9 (MTDPS9). Also called: SUCLG1-Related Mitochondrial DNA Depletion Syndrome, Encephalomyopathic Form with Methylmalonic Aciduria. Identifiers: Orphanet 17, MedGen C3151476, MONDO:0009504, OMIM 245400.

Allele frequency attached by ClinVar (database versions not stated): gnomAD exomes 0.00015 and 0.00048; ExAC 0.00068; gnomAD 0.00169 and 0.00183; 1000 Genomes Project 0.00180; 1000 Genomes Project 30x 0.00187; TOPMed 0.00187; ESP Exome Variant Server 0.00284.
gnomAD v4.1: 489 of 1,614,108 alleles (0.03%); highest among the groups gnomAD compares: African/African-American, 0.59%; 1 homozygote.

Submissions (3):

Labcorp Genetics (formerly Invitae), Labcorp
Classification: Benign for Mitochondrial DNA depletion syndrome 9. Last evaluated: 2026-01-19. Review status: criteria provided, single submitter. Criteria: Invitae Variant Classification Sherloc (09022015). Collection method: clinical testing. Allele origin: germline.

Blueprint Genetics
Classification: Likely benign. Last evaluated: 2024-02-15. Review status: criteria provided, single submitter. Criteria: ACMG Guidelines, 2015. Collection method: clinical testing. Allele origin: germline.

GeneDx
Classification: Likely benign. Last evaluated: 2017-03-08. Review status: criteria provided, single submitter. Criteria: GeneDx Variant Classification (06012015). Collection method: clinical testing. Allele origin: germline. Affected: yes.
Comment: This variant is considered likely benign or benign based on one or more of the following criteria: it is a conservative change, it occurs at a poorly conserved position in the protein, it is predicted to be benign by multiple in silico algorithms, and/or has population frequency not consistent with disease.